The following is an entry in ClinVar:

ClinVar aggregate classification (germline): Uncertain significance (1 of 4 stars; one submission).

gnomAD v4.1: 2 of 1,614,108 alleles (0.00012%); highest among the groups gnomAD compares: South Asian, 0.0022%; no homozygotes.

Submission:

Labcorp Genetics (formerly Invitae), Labcorp
Classification: Uncertain significance. Last evaluated: 2023-05-01. Review status: criteria provided, single submitter. Criteria: Invitae Variant Classification Sherloc (09022015). Collection method: clinical testing. Allele origin: germline.
Comment: In summary, the available evidence is currently insufficient to determine the role of this variant in disease. Therefore, it has been classified as a Variant of Uncertain Significance. An algorithm developed to predict the effect of missense changes on protein structure and function (PolyPhen-2) suggests that this variant is likely to be tolerated. This variant has not been reported in the literature in individuals affected with ADGRA3-related conditions. This variant is not present in population databases (gnomAD no frequency). This sequence change replaces methionine, which is neutral and non-polar, with isoleucine, which is neutral and non-polar, at codon 933 of the ADGRA3 protein (p.Met933Ile).

NM_145290.4(ADGRA3):c.2799G>C (p.Met933Ile)

Gene: ADGRA3 (adhesion G protein-coupled receptor A3; minus strand). Cytogenetic location: 4p15.2.
Variant type: single nucleotide variant.
Coding change: c.2799G>C on transcript NM_145290.4 (MANE Select); coding-DNA position 2799, G replaced by C.
Protein change: p.Met933Ile; replaces methionine 933 with isoleucine.
Molecular consequence: missense variant.
Genome position (GRCh38, 1-based): chr4:22,388,872, C>G on the plus strand (G>C on the coding strand, the complement: ADGRA3 is on the minus strand). VCF-style: chr4-22388872-C-G. GRCh37 (hg19) VCF-style: chr4-22390495-C-G.
Other names: short protein forms M933I.
Identifiers: ClinVar variation 2861267 (VCV002861267.3), dbSNP rs1174910166, ClinGen allele CA356474830.
Genomic context (GRCh38, chr4:22,388,872, plus strand): 5'-CTTAAGCTCATATTTGCGCTCAGGGTGTCTTTTCAACTGAATAAATATGCTCAGAAAGTA[C>G]ATGCAGTTTACAAAAGTGATGAAGCTGGCTGGCCCATAGAAGGCTCCCAAGGAGGGTTCC-3'
Protein context (NP_660333.2, residues 923-943): PASFITFVNC[Met933Ile]YFLSIFIQLK